The following is an entry in ClinVar:

NM_001184880.2(PCDH19):c.1091del (p.Pro364fs)

Gene: PCDH19 (protocadherin 19; minus strand). Cytogenetic location: Xq22.1.
Variant type: Deletion.
Coding change: c.1091del on transcript NM_001184880.2 (MANE Select); coding-DNA position 1091, one base deleted (C; older notation c.1091delC).
Protein change: p.Pro364fs; shifts the reading frame from proline 364.
Molecular consequence: frameshift variant.
Genome position (GRCh38, 1-based): chrX:100,407,507, G deleted on the plus strand (C on the coding strand, the reverse complement: PCDH19 is on the minus strand); the first of 7 consecutive G bases (chrX:100,407,507-100,407,513); deleting any one gives the same sequence. VCF-style (leftmost placement, unchanged base first): chrX-100407506-CG-C. GRCh37 (hg19) VCF-style: chrX-99662504-CG-C.
Other names: c.1091del, p.Pro364fs (NM_001105243.2, NM_020766.3); c.1091del (NM_001184880.1); short protein forms P364fs.
Identifiers: ClinVar variation 589939 (VCV000589939.18), dbSNP rs758946412, ClinGen allele CA10468918.

ClinVar aggregate classification (germline): Pathogenic. Review status: criteria provided, multiple submitters, no conflicts (2 of 4 stars). 4 submissions from 4 submitters: Pathogenic (4). Last evaluated 2025-06-04.

Conditions:
Seizure. Also called: Seizures. Identifiers: MedGen C0036572, HP:0001250.
PCDH19-related disorder. Also called: PCDH19-related condition.
Developmental and epileptic encephalopathy, 9 (DEE9). Also called: EPILEPSY, FEMALE-RESTRICTED, WITH MENTAL RETARDATION; Early infantile epileptic encephalopathy 9; JUBERG-HELLMAN SYNDROME; PCDH19-Related X-Linked Female-Limited Epilepsy with Mental Retardation. Identifiers: Orphanet 101039, Orphanet 2076, MedGen C1848137, MONDO:0010246, OMIM 300088. Disease mechanism: loss of function.
Inborn genetic diseases. Identifiers: MedGen C0950123, MeSH D030342.

Submissions (4):

Cytogénomique, Hospices Civils de Lyon
Classification: Pathogenic for Seizure. Last evaluated: 2025-06-04. Review status: criteria provided, single submitter. Criteria: ACMG Guidelines, 2015. Collection method: clinical testing. Allele origin: unknown. Affected: yes.

Labcorp Genetics (formerly Invitae), Labcorp
Classification: Pathogenic for Developmental and epileptic encephalopathy, 9. Last evaluated: 2023-11-27. Review status: criteria provided, single submitter. Criteria: Invitae Variant Classification Sherloc (09022015). Collection method: clinical testing. Allele origin: germline.
Comment: This sequence change creates a premature translational stop signal (p.Pro364Argfs*4) in the PCDH19 gene. It is expected to result in an absent or disrupted protein product. Loss-of-function variants in PCDH19 are known to be pathogenic (PMID: 21053371). The frequency data for this variant in the population databases is considered unreliable, as metrics indicate poor data quality at this position in the gnomAD database. This premature translational stop signal has been observed in individual(s) with PCDH19-related disease (PMID: 23334464, 27527380). In at least one individual the variant was observed to be de novo. It has also been observed to segregate with disease in related individuals. ClinVar contains an entry for this variant (Variation ID: 589939). For these reasons, this variant has been classified as Pathogenic.

Blueprint Genetics
Classification: Pathogenic for PCDH19-related disorders. Last evaluated: 2020-07-03. Review status: criteria provided, single submitter. Criteria: ACMG Guidelines, 2015. Collection method: clinical testing. Allele origin: germline. Affected: yes. Observed: 1 variant allele.

Ambry Genetics
Classification: Pathogenic for Inborn genetic diseases. Last evaluated: 2016-10-05. Review status: criteria provided, single submitter. Criteria: Ambry Variant Classification Scheme 2023. Collection method: clinical testing. Allele origin: germline.
Comment: The c.1091delC pathogenic mutation, located in coding exon 1 of the PCDH19 gene, results from a deletion of one nucleotide at nucleotide position 1091, causing a translational frameshift with a predicted alternate stop codon. This variant has been reported de novo in an individual with epileptic encephalopathy (van Harssel JJ et al. Neurogenetics, 2013 Feb;14:23-34). In addition to the clinical data presented in the literature, this alteration is expected to result in loss of function by premature protein truncation or nonsense-mediated mRNA decay. As such, this alteration is interpreted as a disease-causing mutation.

Literature cited by the submitters: PubMed 21053371 (cited by Labcorp Genetics (formerly Invitae), Labcorp); PubMed 23334464 (cited by Labcorp Genetics (formerly Invitae), Labcorp and Ambry Genetics); PubMed 27527380 (cited by Labcorp Genetics (formerly Invitae), Labcorp).